The following is an entry in ClinVar:

NM_003000.3(SDHB):c.835T>C (p.Ser279Pro)

Gene: SDHB (succinate dehydrogenase complex iron sulfur subunit B; minus strand). Cytogenetic location: 1p36.13.
Variant type: single nucleotide variant.
Coding change: c.835T>C on transcript NM_003000.3 (MANE Select); coding-DNA position 835, T replaced by C.
Protein change: p.Ser279Pro; replaces serine 279 with proline.
Molecular consequence: missense variant.
Genome position (GRCh38, 1-based): chr1:17,018,889, A>G on the plus strand (T>C on the coding strand, the complement: SDHB is on the minus strand). VCF-style: chr1-17018889-A-G. GRCh37 (hg19) VCF-style: chr1-17345384-A-G.
Other names: c.781T>C, p.Ser261Pro (NM_001407361.1); short protein forms S261P, S279P.
Identifiers: ClinVar variation 2619620 (VCV002619620.2), dbSNP rs1275426951, ClinGen allele CA338268654.
Genomic context (GRCh38, chr1:17,018,889, plus strand): 5'-AAATTATGTTCAGCTCTGAGCTGGTTATAAATCATGTTTAGCATGGAAACAGTTAAACTG[A>G]AGCTTTCTTCTCCTTATAGGTTGCCATCATTTTCTTGATCTCTGCAATAGCTTTCCCTGG-3'
Protein context (NP_002991.2, residues 269-280): MMATYKEKKA[Ser279Pro]V

ClinVar aggregate classification (germline): Uncertain significance (1 of 4 stars; one submission).

Conditions:
Hereditary cancer-predisposing syndrome. Also called: Tumor predisposition; Hereditary Cancer Syndrome; Hereditary neoplastic syndrome; Neoplastic Syndromes, Hereditary. Identifiers: Orphanet 140162, MedGen C0027672, MeSH D009386, MONDO:0015356.

gnomAD v4.1: 3 of 1,609,852 alleles (0.00019%); highest among the groups gnomAD compares: East Asian, 0.0067%; no homozygotes.

Submission:

Ambry Genetics
Classification: Uncertain significance for Hereditary cancer-predisposing syndrome. Last evaluated: 2023-06-25. Review status: criteria provided, single submitter. Criteria: Ambry Variant Classification Scheme 2023. Collection method: clinical testing. Allele origin: germline.
Comment: The p.S279P variant (also known as c.835T>C), located in coding exon 8 of the SDHB gene, results from a T to C substitution at nucleotide position 835. The serine at codon 279 is replaced by proline, an amino acid with similar properties. This amino acid position is conserved. In addition, the in silico prediction for this alteration is inconclusive. Since supporting evidence is limited at this time, the clinical significance of this alteration remains unclear.